The following is an entry in ClinVar:

NM_007294.4(BRCA1):c.1829G>A (p.Arg610Lys)

Gene: BRCA1 (BRCA1 DNA repair associated; minus strand). Cytogenetic location: 17q21.31.
Variant type: single nucleotide variant.
Coding change: c.1829G>A on transcript NM_007294.4 (MANE Select); coding-DNA position 1829, G replaced by A.
Protein change: p.Arg610Lys; replaces arginine 610 with lysine.
Molecular consequence: missense variant. On other transcripts: intron variant (137).
Genome position (GRCh38, 1-based): chr17:43,093,702, C>T on the plus strand (G>A on the coding strand, the complement: BRCA1 is on the minus strand). VCF-style: chr17-43093702-C-T. GRCh37 (hg19) VCF-style: chr17-41245719-C-T.
Other names: c.1616G>A, p.Arg539Lys (NM_001407571.1, NM_001407853.1, NM_001407894.1 and 9 more transcripts); c.1829G>A, p.Arg610Lys (NM_001407581.1, NM_001407582.1, NM_001407583.1 and 30 more transcripts); c.1826G>A, p.Arg609Lys (NM_001407587.1, NM_001407590.1, NM_001407591.1 and 22 more transcripts); c.646+1042G>A (NM_001408453.1, NM_001408461.1, NM_001408467.1 and 11 more transcripts); c.784+1042G>A (NM_001408397.1, NM_001408401.1, NM_001408396.1 and 13 more transcripts); c.664+1042G>A (NM_001408436.1, NM_001408444.1, NM_001408438.1 and 12 more transcripts); c.787+1042G>A (NM_001407980.1, NM_001407993.1, NM_001407976.1 and 19 more transcripts); c.652+1042G>A (NM_001408451.1); and 40 more; short protein forms R610K, R563K, R521K, R539K, R609K, R498K, R522K, R584K.
Identifiers: ClinVar variation 233305 (VCV000233305.20), dbSNP rs876660322, ClinGen allele CA10580648.

ClinVar aggregate classification (germline): Conflicting classifications of pathogenicity. Review status: criteria provided, conflicting classifications (1 of 4 stars). 4 submissions from 4 submitters: Uncertain significance (3); Likely benign (1). Last evaluated 2024-07-19.

Conditions:
Hereditary cancer-predisposing syndrome. Also called: Neoplastic Syndromes, Hereditary; Tumor predisposition; Hereditary Cancer Syndrome; Hereditary neoplastic syndrome. Identifiers: Orphanet 140162, MedGen C0027672, MeSH D009386, MONDO:0015356.
Hereditary breast ovarian cancer syndrome. Also called: Hereditary breast and ovarian cancer syndrome; BRCA1- and BRCA2-Associated Hereditary Breast and Ovarian Cancer; Breast and ovarian cancer; Hereditary breast and/or ovarian cancer syndrome; Hereditary breast and ovarian cancer; Hereditary breast and ovarian cancer syndrome (HBOC). Identifiers: Orphanet 145, MedGen C0677776, MeSH D061325, MONDO:0003582. Disease mechanism: loss of function.

Submissions (4):

Labcorp Genetics (formerly Invitae), Labcorp
Classification: Uncertain significance for Hereditary breast ovarian cancer syndrome. Last evaluated: 2024-07-19. Review status: criteria provided, single submitter. Criteria: Invitae Variant Classification Sherloc (09022015). Collection method: clinical testing. Allele origin: germline.
Comment: This sequence change replaces arginine, which is basic and polar, with lysine, which is basic and polar, at codon 610 of the BRCA1 protein (p.Arg610Lys). This variant is not present in population databases (gnomAD no frequency). This variant has not been reported in the literature in individuals affected with BRCA1-related conditions. ClinVar contains an entry for this variant (Variation ID: 233305). Advanced modeling of protein sequence and biophysical properties (such as structural, functional, and spatial information, amino acid conservation, physicochemical variation, residue mobility, and thermodynamic stability) performed at Invitae indicates that this missense variant is not expected to disrupt BRCA1 protein function with a negative predictive value of 95%. In summary, the available evidence is currently insufficient to determine the role of this variant in disease. Therefore, it has been classified as a Variant of Uncertain Significance.

Ambry Genetics
Classification: Uncertain significance for Hereditary cancer-predisposing syndrome. Last evaluated: 2024-01-17. Review status: criteria provided, single submitter. Criteria: Ambry Variant Classification Scheme 2023. Collection method: clinical testing. Allele origin: germline.
Comment: The p.R610K variant (also known as c.1829G>A), located in coding exon 9 of the BRCA1 gene, results from a G to A substitution at nucleotide position 1829. The arginine at codon 610 is replaced by lysine, an amino acid with highly similar properties. This amino acid position is not well conserved in available vertebrate species. In addition, the in silico prediction for this alteration is inconclusive. Since supporting evidence is limited at this time, the clinical significance of this alteration remains unclear.

University of Washington Department of Laboratory Medicine, University of Washington
Classification: Likely benign for Hereditary cancer-predisposing syndrome. Last evaluated: 2023-03-23. Review status: criteria provided, single submitter. Criteria: Dines et al. (Genet Med. 2020). Collection method: curation. Allele origin: germline.
Comment: Missense variant in a coldspot region where missense variants are very unlikely to be pathogenic (PMID:31911673).

BRCA1 coldspot (exon 11 using historical exon numbering). Reclassification based on statistical prior probability

Color Diagnostics, LLC DBA Color Health
Classification: Uncertain significance for Hereditary cancer-predisposing syndrome. Last evaluated: 2019-05-30. Review status: criteria provided, single submitter. Criteria: ACMG Guidelines, 2015. Collection method: clinical testing. Allele origin: germline.